The following is an entry in ClinVar:

NM_001267550.2(TTN):c.39798A>T (p.Pro13266=)

Gene: TTN (titin; minus strand). Cytogenetic location: 2q31.2.
Variant type: single nucleotide variant.
Coding change: c.39798A>T on transcript NM_001267550.2 (MANE Select); coding-DNA position 39798, A replaced by T.
Protein change: p.Pro13266=; no amino-acid change (proline 13266 retained).
Molecular consequence: synonymous variant. On other transcripts: intron variant (3).
Genome position (GRCh38, 1-based): chr2:178,650,183, T>A on the plus strand (A>T on the coding strand, the complement: TTN is on the minus strand). VCF-style: chr2-178650183-T-A. GRCh37 (hg19) VCF-style: chr2-179514910-T-A.
Other names: c.35277A>T, p.Pro11759= (NM_001256850.1); c.32496A>T, p.Pro10832= (NM_133378.4); c.13283-7866A>T (NM_003319.4); c.13859-7866A>T (NM_133437.4); c.13658-7866A>T (NM_133432.3).
Identifiers: ClinVar variation 3250782 (VCV003250782.18), dbSNP rs1184035534.

ClinVar aggregate classification (germline): Likely benign (1 of 4 stars; one submission).

Submission:

CeGaT Center for Human Genetics Tuebingen
Classification: Likely benign. Last evaluated: 2026-06-01. Review status: criteria provided, single submitter. Criteria: CeGaT Center For Human Genetics Tuebingen Variant Classification Criteria Version 2. Collection method: clinical testing. Allele origin: germline. Affected: yes. Observed: 5 variant alleles.
Comment: TTN: BP4, BP7